The following is an entry in ClinVar:

NM_181705.4(LYRM7):c.230A>C (p.Asp77Ala)

Gene: LYRM7 (LYR motif containing 7; plus strand). Cytogenetic location: 5q23.3.
Variant type: single nucleotide variant.
Coding change: c.230A>C on transcript NM_181705.4 (MANE Select); coding-DNA position 230, A replaced by C.
Protein change: p.Asp77Ala; replaces aspartic acid 77 with alanine.
Molecular consequence: missense variant. On other transcripts: intron variant (1).
Genome position (GRCh38, 1-based): chr5:131,187,095, A>C. VCF-style: chr5-131187095-A-C. GRCh37 (hg19) VCF-style: chr5-130522788-A-C.
Other names: c.162+4796A>C (NM_001293735.2); short protein forms D77A.
Identifiers: ClinVar variation 2704341 (VCV002704341.3), dbSNP rs2479619451, ClinGen allele CA360837778.
Genomic context (GRCh38, chr5:131,187,095, plus strand): 5'-AAATAGGTTCTGATGTTGAATTATTACTCAGAACATCTGTTATACAAGGTATTCACACAG[A>C]CCACAATACACTGAGTAAGTAAAATTAAAGAAAAATGGTTTCTAACTGCAATGTGTTTTA-3'
Protein context (NP_859056.2, residues 67-87): RTSVIQGIHT[Asp77Ala]HNTLKLVPRK

ClinVar aggregate classification (germline): Uncertain significance (1 of 4 stars; one submission).

Allele frequency attached by ClinVar (database versions not stated): gnomAD exomes below 0.00001.
gnomAD v4.1: 1 of 1,524,482 alleles (0.000066%); highest among the groups gnomAD compares: Non-Finnish European, 0.00009%; no homozygotes.

Submission:

Labcorp Genetics (formerly Invitae), Labcorp
Classification: Uncertain significance. Last evaluated: 2024-01-12. Review status: criteria provided, single submitter. Criteria: Invitae Variant Classification Sherloc (09022015). Collection method: clinical testing. Allele origin: germline.
Comment: This sequence change replaces aspartic acid, which is acidic and polar, with alanine, which is neutral and non-polar, at codon 77 of the LYRM7 protein (p.Asp77Ala). This variant is not present in population databases (gnomAD no frequency). This variant has not been reported in the literature in individuals affected with LYRM7-related conditions. An algorithm developed to predict the effect of missense changes on protein structure and function (PolyPhen-2) suggests that this variant is likely to be tolerated. In summary, the available evidence is currently insufficient to determine the role of this variant in disease. Therefore, it has been classified as a Variant of Uncertain Significance.